The following is an entry in ClinVar:

NM_198129.4(LAMA3):c.8576+7G>C

Gene: LAMA3 (laminin subunit alpha 3; plus strand). Cytogenetic location: 18q11.2.
Variant type: single nucleotide variant.
Coding change: c.8576+7G>C on transcript NM_198129.4 (MANE Select); 7 bases into the intron after coding-DNA position 8576, G replaced by C.
Molecular consequence: intron variant.
Genome position (GRCh38, 1-based): chr18:23,931,208, G>C. VCF-style: chr18-23931208-G-C. GRCh37 (hg19) VCF-style: chr18-21511172-G-C.
Other names: c.8408+7G>C (NM_001127717.4); c.3749+7G>C (NM_000227.6); c.3581+7G>C (NM_001127718.4).
Identifiers: ClinVar variation 255577 (VCV000255577.24), dbSNP rs1258107, ClinGen allele CA8916945.

ClinVar aggregate classification (germline): Benign. Review status: criteria provided, multiple submitters, no conflicts (2 of 4 stars). 11 submissions from 8 submitters: Benign (11). Last evaluated 2026-02-04.

Conditions:
Laryngo-onycho-cutaneous syndrome (JEB2C). Also called: SHABBIR SYNDROME; LOGIC SYNDROME; EPIDERMOLYSIS BULLOSA, JUNCTIONAL 2C, LARYNGOONYCHOCUTANEOUS. Identifiers: Orphanet 2407, MedGen C1328355, MONDO:0009513, OMIM 245660.
Junctional epidermolysis bullosa, non-Herlitz type. Also called: Epidermolysis bullosa, junctional, non-herlitz type, somatic mosaic revertant; EPIDERMOLYSIS BULLOSA JUNCTIONALIS, DISENTIS TYPE; EPIDERMOLYSIS BULLOSA JUNCTIONALIS, NON-HERLITZ TYPE; EPIDERMOLYSIS BULLOSA JUNCTIONALIS, PROGRESSIVE; EPIDERMOLYSIS BULLOSA JUNCTIONALIS, SEVERE NONLETHAL; COL17A1-Related Junctional Epidermolysis Bullosa. Identifiers: Orphanet 251393, Orphanet 79402, Orphanet 79405, Orphanet 89840, MedGen C0268374, MONDO:0009180, OMIM 226650.
Junctional epidermolysis bullosa gravis of Herlitz. Also called: EPIDERMOLYSIS BULLOSA JUNCTIONALIS, HERLITZ TYPE; EPIDERMOLYSIS BULLOSA, JUNCTIONAL, HERLITZ-PEARSON TYPE; JEB-HERLITZ TYPE; Herlitz-type junctional epidermolysis bullosa; Epidermolysis Bullosa Letalis; EPIDERMOLYSIS BULLOSA, JUNCTIONAL 1B, SEVERE. Identifiers: Orphanet 79404, MedGen C0079683, MONDO:0009182, OMIM 226700.

Allele frequency attached by ClinVar (database versions not stated): 1000 Genomes Project 30x 0.94722; 1000 Genomes Project 0.94888; TOPMed 0.96069; ESP Exome Variant Server 0.96079.
gnomAD v4.1: 1,579,237 of 1,610,772 alleles (98%); highest among the groups gnomAD compares: East Asian, 100%; 774,639 homozygotes.

Submissions (11):

Labcorp Genetics (formerly Invitae), Labcorp
Classification: Benign. Last evaluated: 2026-02-04. Review status: criteria provided, single submitter. Criteria: Invitae Variant Classification Sherloc (09022015). Collection method: clinical testing. Allele origin: germline.

Blueprint Genetics
Classification: Benign. Last evaluated: 2024-11-28. Review status: criteria provided, single submitter. Criteria: ACMG Guidelines, 2015. Collection method: clinical testing. Allele origin: germline.

Genome-Nilou Lab
Classification: Benign for Junctional epidermolysis bullosa, non-Herlitz type. Last evaluated: 2021-07-10. Review status: criteria provided, single submitter. Criteria: ACMG Guidelines, 2015. Collection method: clinical testing. Allele origin: germline. Affected: no.

Genome-Nilou Lab
Classification: Benign for Junctional epidermolysis bullosa gravis of Herlitz. Last evaluated: 2021-07-10. Review status: criteria provided, single submitter. Criteria: ACMG Guidelines, 2015. Collection method: clinical testing. Allele origin: germline. Affected: no.

Genome-Nilou Lab
Classification: Benign for Laryngo-onycho-cutaneous syndrome. Last evaluated: 2021-07-10. Review status: criteria provided, single submitter. Criteria: ACMG Guidelines, 2015. Collection method: clinical testing. Allele origin: germline. Affected: no.

Illumina Laboratory Services, Illumina
Classification: Benign for Junctional epidermolysis bullosa gravis of Herlitz. Last evaluated: 2018-01-12. Review status: criteria provided, single submitter. Criteria: ICSL Variant Classification Criteria 13 December 2019. Collection method: clinical testing. Allele origin: germline.
Comment: This variant was observed in the ICSL laboratory as part of a predisposition screen in an ostensibly healthy population. It had not been previously curated by ICSL or reported in the Human Gene Mutation Database (HGMD: prior to June 1st, 2018), and was therefore a candidate for classification through an automated scoring system. Utilizing variant allele frequency, disease prevalence and penetrance estimates, and inheritance mode, an automated score was calculated to assess if this variant is too frequent to cause the disease. Based on the score and internal cut-off values, a variant classified as benign is not then subjected to further curation. The score for this variant resulted in a classification of benign for this disease.

Illumina Laboratory Services, Illumina
Classification: Benign for Laryngo-onycho-cutaneous syndrome. Last evaluated: 2018-01-12. Review status: criteria provided, single submitter. Criteria: ICSL Variant Classification Criteria 13 December 2019. Collection method: clinical testing. Allele origin: germline.
Comment: the same text as in the submission from Illumina Laboratory Services, Illumina above.

Laboratory for Molecular Medicine, Mass General Brigham Personalized Medicine
Classification: Benign. Last evaluated: 2016-03-29. Review status: criteria provided, single submitter. Criteria: LMM Criteria. Collection method: clinical testing. Allele origin: germline.
Comment: Variant identified in a genome or exome case(s) and assessed due to predicted null impact of the variant or pathogenic assertions in the literature or databases. Disclaimer: This variant has not undergone full assessment. The following are preliminary notes: Frequency

GeneDx
Classification: Benign. Last evaluated: 2015-03-03. Review status: criteria provided, single submitter. Criteria: GeneDx Variant Classification Process June 2021. Collection method: clinical testing. Allele origin: germline. Affected: yes.

Breakthrough Genomics
Classification: Benign. Review status: criteria provided, single submitter. Criteria: ACMG Guidelines, 2015. Collection method: not provided. Allele origin: germline. Inheritance: Autosomal recessive inheritance. Affected: yes.

PreventionGenetics, part of Exact Sciences
Classification: Benign. Review status: criteria provided, single submitter. Criteria: ACMG Guidelines, 2015. Collection method: clinical testing. Allele origin: germline.